The following is an entry in ClinVar:

ClinVar aggregate classification (germline): Uncertain significance (1 of 4 stars; one submission).

Conditions:
Gastrointestinal stromal tumor. Also called: Gastrointestinal stromal tumor, somatic; Gastrointestinal stroma tumor. Identifiers: Orphanet 44890, MedGen C0238198, MeSH D046152, MONDO:0011719, OMIM 606764, HP:0100723.

Submission:

Labcorp Genetics (formerly Invitae), Labcorp
Classification: Uncertain significance for Gastrointestinal stromal tumor. Last evaluated: 2020-02-28. Review status: criteria provided, single submitter. Criteria: Invitae Variant Classification Sherloc (09022015). Collection method: clinical testing. Allele origin: germline.
Comment: In summary, the available evidence is currently insufficient to determine the role of this variant in disease. Therefore, it has been classified as a Variant of Uncertain Significance. Algorithms developed to predict the effect of missense changes on protein structure and function (SIFT, PolyPhen-2, Align-GVGD) all suggest that this variant is likely to be tolerated, but these predictions have not been confirmed by published functional studies and their clinical significance is uncertain. This variant has not been reported in the literature in individuals with PDGFRA-related conditions. This sequence change replaces glutamic acid with lysine at codon 948 of the PDGFRA protein (p.Glu948Lys). The glutamic acid residue is moderately conserved and there is a small physicochemical difference between glutamic acid and lysine. This variant is not present in population databases (ExAC no frequency).

NM_006206.6(PDGFRA):c.2842G>A (p.Glu948Lys)

Gene: PDGFRA (platelet derived growth factor receptor alpha; plus strand). Cytogenetic location: 4q12.
Variant type: single nucleotide variant.
Coding change: c.2842G>A on transcript NM_006206.6 (MANE Select); coding-DNA position 2842, G replaced by A.
Protein change: p.Glu948Lys; replaces glutamic acid 948 with lysine.
Molecular consequence: missense variant.
Genome position (GRCh38, 1-based): chr4:54,289,076, G>A. VCF-style: chr4-54289076-G-A. GRCh37 (hg19) VCF-style: chr4-55155243-G-A.
Other names: c.2917G>A, p.Glu973Lys (NM_001347828.2); c.2842G>A, p.Glu948Lys (NM_001347829.2); c.2881G>A, p.Glu961Lys (NM_001347830.2); short protein forms E948K, E961K, E973K.
Identifiers: ClinVar variation 1057947 (VCV001057947.9), dbSNP rs2110345923, ClinGen allele CA356895802.